The following is an entry in ClinVar:

ClinVar aggregate classification (germline): Uncertain significance (1 of 4 stars; one submission).

Conditions:
Inborn genetic diseases. Identifiers: MedGen C0950123, MeSH D030342.

gnomAD v4.1: 4 of 1,614,130 alleles (0.00025%); highest among the groups gnomAD compares: Non-Finnish European, 0.00034%; no homozygotes.

Submission:

Ambry Genetics
Classification: Uncertain significance for Inborn genetic diseases. Last evaluated: 2026-03-16. Review status: criteria provided, single submitter. Criteria: Ambry Variant Classification Scheme 2023. Collection method: clinical testing. Allele origin: germline.
Comment: The p.G143E variant (also known as c.428G>A), located in coding exon 3 of the HAX1 gene, results from a G to A substitution at nucleotide position 428. The glycine at codon 143 is replaced by glutamic acid, an amino acid with similar properties. This amino acid position is conserved. In addition, this alteration is predicted to be tolerated by in silico analysis. Based on the available evidence, the clinical significance of this variant remains unclear.

NM_006118.4(HAX1):c.428G>A (p.Gly143Glu)

Gene: HAX1 (HCLS1 associated protein X-1; plus strand). Cytogenetic location: 1q21.3.
Variant type: single nucleotide variant.
Coding change: c.428G>A on transcript NM_006118.4 (MANE Select); coding-DNA position 428, G replaced by A.
Protein change: p.Gly143Glu; replaces glycine 143 with glutamic acid.
Molecular consequence: missense variant.
Genome position (GRCh38, 1-based): chr1:154,273,885, G>A. VCF-style: chr1-154273885-G-A. GRCh37 (hg19) VCF-style: chr1-154246361-G-A.
Other names: c.284G>A, p.Gly95Glu (NM_001018837.2); short protein forms G143E, G95E.
Identifiers: ClinVar variation 4858260 (VCV004858260.1).